The following is an entry in ClinVar:

NM_001360.3(DHCR7):c.963+2T>G

Gene: DHCR7 (7-dehydrocholesterol reductase; minus strand). Cytogenetic location: 11q13.4.
Variant type: single nucleotide variant.
Coding change: c.963+2T>G on transcript NM_001360.3 (MANE Select); the canonical splice donor site of the intron after coding-DNA position 963, T replaced by G.
Molecular consequence: splice donor variant.
Genome position (GRCh38, 1-based): chr11:71,437,810, A>C on the plus strand (T>G on the coding strand, the complement: DHCR7 is on the minus strand). VCF-style: chr11-71437810-A-C. GRCh37 (hg19) VCF-style: chr11-71148856-A-C.
Other names: c.963+2T>G (NM_001163817.2).
Identifiers: ClinVar variation 371183 (VCV000371183.9), dbSNP rs1057517070, ClinGen allele CA16041550.

ClinVar aggregate classification (germline): Pathogenic/Likely pathogenic. Review status: criteria provided, multiple submitters, no conflicts (2 of 4 stars). 4 submissions from 4 submitters: Pathogenic (1); Likely pathogenic (2). 1 of the submissions does not count toward it. Last evaluated 2024-03-25.

Conditions:
Smith-Lemli-Opitz syndrome (SLOS). Also called: LETHAL ACRODYSGENITAL SYNDROME; POLYDACTYLY, SEX REVERSAL, RENAL HYPOPLASIA, AND UNILOBAR LUNG; RSH SYNDROME; RUTLEDGE LETHAL MULTIPLE CONGENITAL ANOMALY SYNDROME; 7-Dehydrocholesterol reductase deficiency. Identifiers: Orphanet 818, MedGen C0175694, MONDO:0010035, OMIM 270400.

Allele frequency attached by ClinVar (database versions not stated): gnomAD exomes below 0.00001.
gnomAD v4.1: 1 of 1,613,616 alleles (0.000062%); highest among the groups gnomAD compares: African/African-American, 0.0013%; no homozygotes.

Submissions (4):

Natera, Inc.
Classification: Likely pathogenic for Smith-Lemli-Opitz syndrome. Last evaluated: 2024-03-25. Review status: criteria provided, single submitter. Criteria: Natera Variant Classification Schema (03/2026). Collection method: clinical testing. Allele origin: germline.
Comment: The c.963+2T>G variant in DHCR7 is a canonical splice donor site variant predicted to affect pre-mRNA splicing, which may result in an abnormal transcript and altered protein product. This variant is expected to result in nonsense mediated decay, truncation, or a dysfunctional protein product. This variant is rare in the general population with a frequency below the threshold expected for the associated phenotype(s). Given the available evidence, this variant is classified as Likely Pathogenic.

Labcorp Genetics (formerly Invitae), Labcorp
Classification: Pathogenic for Smith-Lemli-Opitz syndrome. Last evaluated: 2023-01-30. Review status: criteria provided, single submitter. Criteria: Invitae Variant Classification Sherloc (09022015). Collection method: clinical testing. Allele origin: germline.
Comment: Variants that disrupt the consensus splice site are a relatively common cause of aberrant splicing (PMID: 17576681, 9536098). Algorithms developed to predict the effect of sequence changes on RNA splicing suggest that this variant may disrupt the consensus splice site. This variant disrupts a region of the DHCR7 protein in which other variant(s) (p.Phe475Ser) have been determined to be pathogenic (PMID: 15776424). This suggests that this is a clinically significant region of the protein, and that variants that disrupt it are likely to be disease-causing. For these reasons, this variant has been classified as Pathogenic. ClinVar contains an entry for this variant (Variation ID: 371183). This variant has not been reported in the literature in individuals affected with DHCR7-related conditions. This variant is not present in population databases (gnomAD no frequency). This sequence change affects a donor splice site in intron 8 of the DHCR7 gene. While this variant is not anticipated to result in nonsense mediated decay, it likely alters RNA splicing and results in a disrupted protein product.

Fulgent Genetics
Classification: Likely pathogenic for Smith-Lemli-Opitz syndrome. Last evaluated: 2021-07-03. Review status: criteria provided, single submitter. Criteria: ACMG Guidelines, 2015. Collection method: clinical testing. Allele origin: unknown.

Counsyl
Classification: Likely pathogenic for Smith-Lemli-Opitz syndrome. Last evaluated: 2016-07-22. Review status: no assertion criteria provided. Collection method: clinical testing. Allele origin: unknown. Not counted in ClinVar's aggregate classification.

Literature cited by the submitters: PubMed 17576681 (cited by Labcorp Genetics (formerly Invitae), Labcorp); PubMed 9536098 (cited by Labcorp Genetics (formerly Invitae), Labcorp); PubMed 15776424 (cited by Labcorp Genetics (formerly Invitae), Labcorp).